The following is an entry in ClinVar:

NM_144687.4(NLRP12):c.1471G>A (p.Val491Ile)

Gene: NLRP12 (NLR family pyrin domain containing 12; minus strand). Cytogenetic location: 19q13.42.
Variant type: single nucleotide variant.
Coding change: c.1471G>A on transcript NM_144687.4 (MANE Select); coding-DNA position 1471, G replaced by A.
Protein change: p.Val491Ile; replaces valine 491 with isoleucine.
Molecular consequence: missense variant.
Genome position (GRCh38, 1-based): chr19:53,810,188, C>T on the plus strand (G>A on the coding strand, the complement: NLRP12 is on the minus strand). VCF-style: chr19-53810188-C-T. GRCh37 (hg19) VCF-style: chr19-54313442-C-T.
Other names: c.1471G>A, p.Val491Ile (NM_001277126.2, NM_001277129.1); short protein forms V491I.
Identifiers: ClinVar variation 665577 (VCV000665577.3), dbSNP rs200795570, ClinGen allele CA9639420.

ClinVar aggregate classification (germline): Uncertain significance (1 of 4 stars; one submission).

Conditions:
Familial cold autoinflammatory syndrome 2 (FCAS2). Identifiers: Orphanet 247868, MedGen C2673198, MONDO:0012724, OMIM 611762.

Allele frequency attached by ClinVar (database versions not stated): ExAC 0.00001; gnomAD 0.00001; gnomAD exomes 0.00001; TOPMed 0.00001; 1000 Genomes Project 30x 0.00016; 1000 Genomes Project 0.00020.
gnomAD v4.1: 4 of 1,614,130 alleles (0.00025%); highest among the groups gnomAD compares: Admixed American, 0.0017%; no homozygotes.

Submission:

Labcorp Genetics (formerly Invitae), Labcorp
Classification: Uncertain significance for Familial cold autoinflammatory syndrome 2. Last evaluated: 2025-02-04. Review status: criteria provided, single submitter. Criteria: Invitae Variant Classification Sherloc (09022015). Collection method: clinical testing. Allele origin: germline.
Comment: This sequence change replaces valine, which is neutral and non-polar, with isoleucine, which is neutral and non-polar, at codon 491 of the NLRP12 protein (p.Val491Ile). This variant is present in population databases (rs200795570, gnomAD 0.007%). This variant has not been reported in the literature in individuals affected with NLRP12-related conditions. ClinVar contains an entry for this variant (Variation ID: 665577). Invitae Evidence Modeling of protein sequence and biophysical properties (such as structural, functional, and spatial information, amino acid conservation, physicochemical variation, residue mobility, and thermodynamic stability) indicates that this missense variant is not expected to disrupt NLRP12 protein function with a negative predictive value of 80%. In summary, the available evidence is currently insufficient to determine the role of this variant in disease. Therefore, it has been classified as a Variant of Uncertain Significance.